The following is an entry in ClinVar:

NM_003200.5(TCF3):c.1147G>A (p.Asp383Asn)

Gene: TCF3 (transcription factor 3; minus strand). Cytogenetic location: 19p13.3.
Variant type: single nucleotide variant.
Coding change: c.1147G>A on transcript NM_003200.5 (MANE Select); coding-DNA position 1147, G replaced by A.
Protein change: p.Asp383Asn; replaces aspartic acid 383 with asparagine.
Molecular consequence: missense variant.
Genome position (GRCh38, 1-based): chr19:1,619,800, C>T on the plus strand (G>A on the coding strand, the complement: TCF3 is on the minus strand). VCF-style: chr19-1619800-C-T. GRCh37 (hg19) VCF-style: chr19-1619799-C-T.
Other names: c.1147G>A, p.Asp383Asn (NM_001136139.4, NM_001351778.2, NM_001351779.2); short protein forms D383N.
Identifiers: ClinVar variation 2182937 (VCV002182937.4), dbSNP rs535113552, ClinGen allele CA9050039.

ClinVar aggregate classification (germline): Uncertain significance (1 of 4 stars; one submission).

Allele frequency attached by ClinVar (database versions not stated): ExAC 0.00005; gnomAD 0.00008; 1000 Genomes Project 0.00020; 1000 Genomes Project 30x 0.00031.

Submission:

Labcorp Genetics (formerly Invitae), Labcorp
Classification: Uncertain significance. Last evaluated: 2025-09-10. Review status: criteria provided, single submitter. Criteria: Invitae Variant Classification Sherloc (09022015). Collection method: clinical testing. Allele origin: germline.
Comment: This sequence change replaces aspartic acid, which is acidic and polar, with asparagine, which is neutral and polar, at codon 383 of the TCF3 protein (p.Asp383Asn). The frequency data for this variant in the population databases is considered unreliable, as metrics indicate poor data quality at this position in the gnomAD database. This variant has not been reported in the literature in individuals affected with TCF3-related conditions. ClinVar contains an entry for this variant (Variation ID: 2182937). Invitae Evidence Modeling of protein sequence and biophysical properties (such as structural, functional, and spatial information, amino acid conservation, physicochemical variation, residue mobility, and thermodynamic stability) indicates that this missense variant is not expected to disrupt TCF3 protein function with a negative predictive value of 80%. In summary, the available evidence is currently insufficient to determine the role of this variant in disease. Therefore, it has been classified as a Variant of Uncertain Significance.